The following is an entry in ClinVar:

NM_006567.5(FARS2):c.575A>C (p.His192Pro)

Genes: FARS2 (phenylalanyl-tRNA synthetase 2, mitochondrial; plus strand), LOC126859565 (CDK7 strongly-dependent group 2 enhancer GRCh37_chr6:5368745-5369944; plus strand). Cytogenetic location: 6p25.1.
Variant type: single nucleotide variant.
Coding change: c.575A>C on transcript NM_006567.5 (MANE Select); coding-DNA position 575, A replaced by C.
Protein change: p.His192Pro; replaces histidine 192 with proline.
Molecular consequence: missense variant. On other transcripts: intron variant (2).
Genome position (GRCh38, 1-based): chr6:5,369,145, A>C. VCF-style: chr6-5369145-A-C. GRCh37 (hg19) VCF-style: chr6-5369378-A-C.
Other names: c.575A>C, p.His192Pro (NM_001374877.1, NM_001374878.1, NM_001374879.1 and 5 more transcripts); c.-340-27488A>C (NM_001375260.1); c.-84-35397A>C (NM_001375259.1); short protein forms H192P.
Identifiers: ClinVar variation 949347 (VCV000949347.10), dbSNP rs1758876342, ClinGen allele CA362735576.

ClinVar aggregate classification (germline): Uncertain significance (1 of 4 stars; one submission).

Conditions:
Combined oxidative phosphorylation defect type 14. Also called: Combined oxidative phosphorylation deficiency 14. Identifiers: Orphanet 319519, MedGen C4755312, MONDO:0013986, OMIM 614946.

Submission:

Labcorp Genetics (formerly Invitae), Labcorp
Classification: Uncertain significance for Combined oxidative phosphorylation defect type 14. Last evaluated: 2025-08-18. Review status: criteria provided, single submitter. Criteria: Invitae Variant Classification Sherloc (09022015). Collection method: clinical testing. Allele origin: germline.
Comment: This sequence change replaces histidine, which is basic and polar, with proline, which is neutral and non-polar, at codon 192 of the FARS2 protein (p.His192Pro). This variant is not present in population databases (gnomAD no frequency). This variant has not been reported in the literature in individuals affected with FARS2-related conditions. ClinVar contains an entry for this variant (Variation ID: 949347). Invitae Evidence Modeling of protein sequence and biophysical properties (such as structural, functional, and spatial information, amino acid conservation, physicochemical variation, residue mobility, and thermodynamic stability) indicates that this missense variant is expected to disrupt FARS2 protein function with a positive predictive value of 95%. In summary, the available evidence is currently insufficient to determine the role of this variant in disease. Therefore, it has been classified as a Variant of Uncertain Significance.